The following is an entry in ClinVar:

ClinVar aggregate classification (germline): Uncertain significance (1 of 4 stars; one submission).

Conditions:
Frasier syndrome. Identifiers: Orphanet 347, MedGen C0950122, MeSH D052159, MONDO:0007635, OMIM 136680.
Wilms tumor 1 (WT1). Also called: Wilms tumor, somatic. Identifiers: Orphanet 654, MedGen CN033288, MONDO:0008679, OMIM 194070.
11p partial monosomy syndrome (WAGR). Also called: CHROMOSOME 11p13 DELETION SYNDROME; WAGR syndrome; WAGR Complex; WAGR Spectrum Disorder. Identifiers: Orphanet 893, MedGen C0206115, MONDO:0008681, OMIM 194072.
Drash syndrome (DDS). Also called: WILMS TUMOR AND PSEUDO- OR TRUE HERMAPHRODITISM; NEPHROPATHY, WILMS TUMOR, AND GENITAL ANOMALIES. Identifiers: Orphanet 220, MedGen C0950121, MONDO:0008682, OMIM 194080.

Submission:

Labcorp Genetics (formerly Invitae), Labcorp
Classification: Uncertain significance for Wilms tumor 1; Drash syndrome; 11p partial monosomy syndrome; Frasier syndrome. Last evaluated: 2024-04-29. Review status: criteria provided, single submitter. Criteria: Invitae Variant Classification Sherloc (09022015). Collection method: clinical testing. Allele origin: germline.
Comment: This sequence change replaces serine, which is neutral and polar, with leucine, which is neutral and non-polar, at codon 262 of the WT1 protein (p.Ser262Leu). This variant is not present in population databases (gnomAD no frequency). This variant has not been reported in the literature in individuals affected with WT1-related conditions. ClinVar contains an entry for this variant (Variation ID: 1428955). An algorithm developed to predict the effect of missense changes on protein structure and function (PolyPhen-2) suggests that this variant is likely to be disruptive. In summary, the available evidence is currently insufficient to determine the role of this variant in disease. Therefore, it has been classified as a Variant of Uncertain Significance.

NM_024426.6(WT1):c.800C>T (p.Ser267Leu)

Gene: WT1 (WT1 transcription factor; minus strand). Cytogenetic location: 11p13.
Variant type: single nucleotide variant.
Coding change: c.800C>T on transcript NM_024426.6 (MANE Select); coding-DNA position 800, C replaced by T.
Protein change: p.Ser267Leu; replaces serine 267 with leucine.
Molecular consequence: missense variant. On other transcripts: non-coding transcript variant (1).
Genome position (GRCh38, 1-based): chr11:32,428,043, G>A on the plus strand (C>T on the coding strand, the complement: WT1 is on the minus strand). VCF-style: chr11-32428043-G-A. GRCh37 (hg19) VCF-style: chr11-32449589-G-A.
Other names: c.785C>T, p.Ser262Leu (NM_024425.2); c.800C>T, p.Ser267Leu (NM_000378.6, NM_001407044.1, NM_001407045.1 and 4 more transcripts); c.149C>T, p.Ser50Leu (NM_001198551.2, NM_001198552.2); c.677C>T, p.Ser226Leu (NM_001407047.1, NM_001407050.1); c.38C>T, p.Ser13Leu (NM_001407051.1); short protein forms S267L, S50L, S226L, S13L, S262L.
Identifiers: ClinVar variation 1428955 (VCV001428955.7), dbSNP rs2133073025, ClinGen allele CA379963136.
Genomic context (GRCh38, chr11:32,428,043, plus strand): 5'-GCCTGGCTGCCGGTGCAGCTGTCGGTGGGGGTGTGGCAGCCATAGACCGGGGGCGGCACC[G>A]AGTACTGCTGCTCACCTGCAGAGAGAACCGAAGACAGCTGAGCGAGTGCGCCCCAAGGGC-3'
Protein context (NP_077744.4, residues 257-277): QQGSLGEQQY[Ser267Leu]VPPPVYGCHT